The following is an entry in ClinVar:

NM_015910.7(WDPCP):c.1342del (p.Val448fs)

Gene: WDPCP (WD repeat containing planar cell polarity effector; minus strand). Cytogenetic location: 2p15.
Variant type: Deletion.
Coding change: c.1342del on transcript NM_015910.7 (MANE Select); coding-DNA position 1342, one base deleted (G; older notation c.1342delG).
Protein change: p.Val448fs; shifts the reading frame from valine 448.
Molecular consequence: frameshift variant. On other transcripts: non-coding transcript variant (3).
Genome position (GRCh38, 1-based): chr2:63,404,141, C deleted on the plus strand (G on the coding strand, the reverse complement: WDPCP is on the minus strand); the first of 2 consecutive C bases (chr2:63,404,141-63,404,142); deleting either gives the same sequence. VCF-style (leftmost placement, unchanged base first): chr2-63404140-AC-A. GRCh37 (hg19) VCF-style: chr2-63631275-AC-A.
Other names: c.865del, p.Val289fs (NM_001042692.3); c.1270del, p.Val424fs (NM_001354044.2); c.1342del, p.Val448fs (NM_001354045.2); short protein forms V448fs, V289fs, V424fs.
Identifiers: ClinVar variation 1983825 (VCV001983825.4), dbSNP rs749464972, ClinGen allele CA1682251.
Genomic context (GRCh38, chr2:63,404,140, plus strand): 5'-CTTTCAAACCTGAGGAAGAGGAGATCATAGATATCACTACCTTCACCCTTCTGAGAAACA[AC>A]CTGAGGAGCTATCCATTGCATTTGAACAAGACTGCTGGAGGCATCAAATAATTTACTGAA-3'

ClinVar aggregate classification (germline): Pathogenic (1 of 4 stars; one submission).

Conditions:
Bardet-Biedl syndrome (BBS). Identifiers: Orphanet 110, MedGen C0752166, MONDO:0015229.

Submission:

Labcorp Genetics (formerly Invitae), Labcorp
Classification: Pathogenic for Bardet-Biedl syndrome. Last evaluated: 2022-09-05. Review status: criteria provided, single submitter. Criteria: Invitae Variant Classification Sherloc (09022015). Collection method: clinical testing. Allele origin: germline.
Comment: For these reasons, this variant has been classified as Pathogenic. This variant has not been reported in the literature in individuals affected with WDPCP-related conditions. This variant is present in population databases (rs749464972, gnomAD 0.02%). This sequence change creates a premature translational stop signal (p.Val448Leufs*31) in the WDPCP gene. It is expected to result in an absent or disrupted protein product. Loss-of-function variants in WDPCP are known to be pathogenic (PMID: 20671153, 25427950, 27158779).

Literature cited by the submitters: PubMed 20671153; PubMed 25427950; PubMed 27158779.